The following is an entry in ClinVar:

NM_004393.6(DAG1):c.1751G>T (p.Gly584Val)

Gene: DAG1 (dystroglycan 1; plus strand). Cytogenetic location: 3p21.31.
Variant type: single nucleotide variant.
Coding change: c.1751G>T on transcript NM_004393.6 (MANE Select); coding-DNA position 1751, G replaced by T.
Protein change: p.Gly584Val; replaces glycine 584 with valine.
Molecular consequence: missense variant.
Genome position (GRCh38, 1-based): chr3:49,532,262, G>T. VCF-style: chr3-49532262-G-T. GRCh37 (hg19) VCF-style: chr3-49569695-G-T.
Other names: c.1751G>T, p.Gly584Val (NM_001165928.4, NM_001177634.3, NM_001177635.3 and 9 more transcripts); short protein forms G584V.
Identifiers: ClinVar variation 1014007 (VCV001014007.5), dbSNP rs547711379, ClinGen allele CA2399136.

ClinVar aggregate classification (germline): Uncertain significance (1 of 4 stars; one submission).

Conditions:
Autosomal recessive limb-girdle muscular dystrophy type 2P. Also called: Limb-Girdle Muscular Dystrophy Type 9C; MUSCULAR DYSTROPHY, LIMB-GIRDLE, TYPE 2P; MUSCULAR DYSTROPHY-DYSTROGLYCANOPATHY, LIMB-GIRDLE, DAG1-RELATED. Identifiers: Orphanet 280333, MedGen C4511963, MONDO:0013440, OMIM 613818.
Muscular dystrophy-dystroglycanopathy (congenital with brain and eye anomalies), type A9. Also called: WALKER-WARBURG SYNDROME OR MUSCLE-EYE BRAIN DISEASE, DAG1-RELATED; Muscular dystrophy-dystroglycanopathy (congenital with brain and eye anomalies), type a, 9. Identifiers: Orphanet 370997, Orphanet 899, MedGen C4225291, MONDO:0014683, OMIM 616538.

Allele frequency attached by ClinVar (database versions not stated): ExAC 0.00001; gnomAD exomes 0.00001; 1000 Genomes Project 30x 0.00016; 1000 Genomes Project 0.00020.
gnomAD v4.1: 4 of 1,613,962 alleles (0.00025%); highest among the groups gnomAD compares: Admixed American, 0.0033%; no homozygotes.

Submission:

Labcorp Genetics (formerly Invitae), Labcorp
Classification: Uncertain significance for Autosomal recessive limb-girdle muscular dystrophy type 2P; Muscular dystrophy-dystroglycanopathy (congenital with brain and eye anomalies), type A9. Last evaluated: 2020-05-29. Review status: criteria provided, single submitter. Criteria: Invitae Variant Classification Sherloc (09022015). Collection method: clinical testing. Allele origin: germline.
Comment: In summary, the available evidence is currently insufficient to determine the role of this variant in disease. Therefore, it has been classified as a Variant of Uncertain Significance. Algorithms developed to predict the effect of missense changes on protein structure and function are either unavailable or do not agree on the potential impact of this missense change (SIFT: "Deleterious"; PolyPhen-2: "Probably Damaging"; Align-GVGD: "Class C0"). This variant has not been reported in the literature in individuals with DAG1-related conditions. This variant is present in population databases (rs547711379, ExAC 0.009%). This sequence change replaces glycine with valine at codon 584 of the DAG1 protein (p.Gly584Val). The glycine residue is highly conserved and there is a moderate physicochemical difference between glycine and valine.